The following is an entry in ClinVar:

NM_001039141.3(TRIOBP):c.1633G>T (p.Ala545Ser)

Gene: TRIOBP (TRIO and F-actin binding protein; plus strand). Cytogenetic location: 22q13.1.
Variant type: single nucleotide variant.
Coding change: c.1633G>T on transcript NM_001039141.3 (MANE Select); coding-DNA position 1633, G replaced by T.
Protein change: p.Ala545Ser; replaces alanine 545 with serine.
Molecular consequence: missense variant.
Genome position (GRCh38, 1-based): chr22:37,724,189, G>T. VCF-style: chr22-37724189-G-T. GRCh37 (hg19) VCF-style: chr22-38120196-G-T.
Other names: short protein forms A545S.
Identifiers: ClinVar variation 2414802 (VCV002414802.6), dbSNP rs1214417388, ClinGen allele CA411461946.

ClinVar aggregate classification (germline): Uncertain significance (1 of 4 stars; one submission).

Submission:

Labcorp Genetics (formerly Invitae), Labcorp
Classification: Uncertain significance. Last evaluated: 2026-01-12. Review status: criteria provided, single submitter. Criteria: Invitae Variant Classification Sherloc (09022015). Collection method: clinical testing. Allele origin: germline.
Comment: This sequence change replaces alanine, which is neutral and non-polar, with serine, which is neutral and polar, at codon 545 of the TRIOBP protein (p.Ala545Ser). This variant is not present in population databases (gnomAD no frequency). This variant has not been reported in the literature in individuals affected with TRIOBP-related conditions. ClinVar contains an entry for this variant (Variation ID: 2414802). An algorithm developed to predict the effect of missense changes on protein structure and function (PolyPhen-2) suggests that this variant is likely to be tolerated. In summary, the available evidence is currently insufficient to determine the role of this variant in disease. Therefore, it has been classified as a Variant of Uncertain Significance.